The following is an entry in ClinVar:

NM_014252.4(SLC25A15):c.1A>G (p.Met1Val)

Gene: SLC25A15 (solute carrier family 25 member 15; plus strand). Cytogenetic location: 13q14.11.
Variant type: single nucleotide variant.
Coding change: c.1A>G on transcript NM_014252.4 (MANE Select); coding-DNA position 1, A replaced by G.
Protein change: p.Met1Val; changes the start codon (methionine 1).
Molecular consequence: missense variant, initiator codon variant.
Genome position (GRCh38, 1-based): chr13:40,793,227, A>G. VCF-style: chr13-40793227-A-G. GRCh37 (hg19) VCF-style: chr13-41367363-A-G.
Other names: short protein forms M1V.
Identifiers: ClinVar variation 3022819 (VCV003022819.4), dbSNP rs2546915868, ClinGen allele CA387916204.

ClinVar aggregate classification (germline): Pathogenic/Likely pathogenic. Review status: criteria provided, multiple submitters, no conflicts (2 of 4 stars). 2 submissions from 2 submitters: Pathogenic (1); Likely pathogenic (1). Last evaluated 2024-01-23.

Conditions:
Hyperornithinemia-hyperammonemia-homocitrullinuria syndrome (HHHS). Also called: HHH SYNDROME; Ornithine translocase deficiency. Identifiers: Orphanet 415, MedGen C0268540, MONDO:0009393, OMIM 238970.

Submissions (2):

Fulgent Genetics
Classification: Likely pathogenic for Hyperornithinemia-hyperammonemia-homocitrullinuria syndrome. Last evaluated: 2024-01-23. Review status: criteria provided, single submitter. Criteria: ACMG Guidelines, 2015. Collection method: clinical testing. Allele origin: germline.

Labcorp Genetics (formerly Invitae), Labcorp
Classification: Pathogenic for Hyperornithinemia-hyperammonemia-homocitrullinuria syndrome. Last evaluated: 2023-02-28. Review status: criteria provided, single submitter. Criteria: Invitae Variant Classification Sherloc (09022015). Collection method: clinical testing. Allele origin: germline.
Comment: For these reasons, this variant has been classified as Pathogenic. This variant disrupts a region of the SLC25A15 protein in which other variant(s) (p.Thr32Arg) have been determined to be pathogenic (PMID: 16940241). This suggests that this is a clinically significant region of the protein, and that variants that disrupt it are likely to be disease-causing. This variant has not been reported in the literature in individuals affected with SLC25A15-related conditions. This variant is not present in population databases (gnomAD no frequency). This sequence change affects the initiator methionine of the SLC25A15 mRNA. The next in-frame methionine is located at codon 33.

Literature cited by the submitters: PubMed 16940241 (cited by Labcorp Genetics (formerly Invitae), Labcorp).